The following is an entry in ClinVar:

ClinVar aggregate classification (germline): Uncertain significance (1 of 4 stars; one submission).

Conditions:
Familial hemophagocytic lymphohistiocytosis 3 (FHL3). Also called: UNC13D-Related Familial Hemophagocytic Lymphohistiocytosis (UNC13D-fHLH). Identifiers: Orphanet 540, MedGen C1837174, MONDO:0012146, OMIM 608898.

Allele frequency attached by ClinVar (database versions not stated): gnomAD exomes below 0.00001.

Submission:

Labcorp Genetics (formerly Invitae), Labcorp
Classification: Uncertain significance for Familial hemophagocytic lymphohistiocytosis 3. Last evaluated: 2019-12-02. Review status: criteria provided, single submitter. Criteria: Invitae Variant Classification Sherloc (09022015). Collection method: clinical testing. Allele origin: germline.
Comment: This variant has not been reported in the literature in individuals with UNC13D-related conditions. In summary, the available evidence is currently insufficient to determine the role of this variant in disease. Therefore, it has been classified as a Variant of Uncertain Significance. Algorithms developed to predict the effect of sequence changes on RNA splicing suggest that this variant may create or strengthen a splice site, but this prediction has not been confirmed by published transcriptional studies. Algorithms developed to predict the effect of missense changes on protein structure and function output the following: SIFT: "Tolerated"; PolyPhen-2: "Benign"; Align-GVGD: "Class C0". The arginine amino acid residue is found in multiple mammalian species, suggesting that this missense change does not adversely affect protein function. These predictions have not been confirmed by published functional studies and their clinical significance is uncertain. This variant is not present in population databases (ExAC no frequency). This sequence change replaces lysine with arginine at codon 108 of the UNC13D protein (p.Lys108Arg). The lysine residue is weakly conserved and there is a small physicochemical difference between lysine and arginine.

NM_199242.3(UNC13D):c.323A>G (p.Lys108Arg)

Gene: UNC13D (unc-13 homolog D; minus strand). Cytogenetic location: 17q25.1.
Variant type: single nucleotide variant.
Coding change: c.323A>G on transcript NM_199242.3 (MANE Select); coding-DNA position 323, A replaced by G.
Protein change: p.Lys108Arg; replaces lysine 108 with arginine.
Molecular consequence: missense variant.
Genome position (GRCh38, 1-based): chr17:75,842,922, T>C on the plus strand (A>G on the coding strand, the complement: UNC13D is on the minus strand). VCF-style: chr17-75842922-T-C. GRCh37 (hg19) VCF-style: chr17-73839003-T-C.
Other names: short protein forms K108R.
Identifiers: ClinVar variation 846572 (VCV000846572.8), dbSNP rs2064959179, ClinGen allele CA401115661.